The following is an entry in ClinVar:

ClinVar aggregate classification (germline): Uncertain significance. Review status: criteria provided, multiple submitters, no conflicts (2 of 4 stars). 2 submissions from 2 submitters: Uncertain significance (2). Last evaluated 2022-10-18.

Allele frequency attached by ClinVar (database versions not stated): gnomAD exomes 0.00001.
gnomAD v4.1: 17 of 1,613,718 alleles (0.0011%); highest among the groups gnomAD compares: Non-Finnish European, 0.0014%; no homozygotes.

Submissions (2):

Women's Health and Genetics/Laboratory Corporation of America, LabCorp
Classification: Uncertain significance. Last evaluated: 2022-10-18. Review status: criteria provided, single submitter. Criteria: LabCorp Variant Classification Summary - May 2015. Collection method: clinical testing. Allele origin: germline.
Comment: Variant summary: PYGM c.1058T>A (p.Ile353Asn) results in a non-conservative amino acid change in the encoded protein sequence. Five of five in-silico tools predict a damaging effect of the variant on protein function. The variant was absent in 251030 control chromosomes (gnomAD). The available data on variant occurrences in the general population are insufficient to allow any conclusion about variant significance. To our knowledge, no occurrence of c.1058T>A in individuals affected with Glycogen Storage Disease, Type V and no experimental evidence demonstrating its impact on protein function have been reported. No clinical diagnostic laboratories have submitted clinical-significance assessments for this variant to ClinVar after 2014. Based on the evidence outlined above, the variant was classified as uncertain significance.

Blueprint Genetics
Classification: Uncertain significance. Last evaluated: 2020-12-09. Review status: criteria provided, single submitter. Criteria: ACMG Guidelines, 2015. Collection method: clinical testing. Allele origin: germline.

NM_005609.4(PYGM):c.1058T>A (p.Ile353Asn)

Gene: PYGM (glycogen phosphorylase, muscle associated; minus strand). Cytogenetic location: 11q13.1.
Variant type: single nucleotide variant.
Coding change: c.1058T>A on transcript NM_005609.4 (MANE Select); coding-DNA position 1058, T replaced by A.
Protein change: p.Ile353Asn; replaces isoleucine 353 with asparagine.
Molecular consequence: missense variant.
Genome position (GRCh38, 1-based): chr11:64,754,287, A>T on the plus strand (T>A on the coding strand, the complement: PYGM is on the minus strand). VCF-style: chr11-64754287-A-T. GRCh37 (hg19) VCF-style: chr11-64521759-A-T.
Other names: c.794T>A, p.Ile265Asn (NM_001164716.1); short protein forms I265N, I353N.
Identifiers: ClinVar variation 1723334 (VCV001723334.2), dbSNP rs2496659847, ClinGen allele CA381177035.